The following is an entry in ClinVar:

ClinVar aggregate classification (germline): Uncertain significance (1 of 4 stars; one submission).

Submission:

Labcorp Genetics (formerly Invitae), Labcorp
Classification: Uncertain significance. Last evaluated: 2025-11-23. Review status: criteria provided, single submitter. Criteria: Invitae Variant Classification Sherloc (09022015). Collection method: clinical testing. Allele origin: germline.
Comment: This sequence change replaces proline, which is neutral and non-polar, with leucine, which is neutral and non-polar, at codon 1259 of the COL4A5 protein (p.Pro1259Leu). This variant is not present in population databases (gnomAD no frequency). This variant has not been reported in the literature in individuals affected with COL4A5-related conditions. Invitae Evidence Modeling of protein sequence and biophysical properties (such as structural, functional, and spatial information, amino acid conservation, physicochemical variation, residue mobility, and thermodynamic stability) indicates that this missense variant is not expected to disrupt COL4A5 protein function with a negative predictive value of 95%. In summary, the available evidence is currently insufficient to determine the role of this variant in disease. Therefore, it has been classified as a Variant of Uncertain Significance.

NM_033380.3(COL4A5):c.3776C>T (p.Pro1259Leu)

Gene: COL4A5 (collagen type IV alpha 5 chain; plus strand). Cytogenetic location: Xq22.3.
Variant type: single nucleotide variant.
Coding change: c.3776C>T on transcript NM_033380.3 (MANE Select); coding-DNA position 3776, C replaced by T.
Protein change: p.Pro1259Leu; replaces proline 1259 with leucine.
Molecular consequence: missense variant.
Genome position (GRCh38, 1-based): chrX:108,668,490, C>T. VCF-style: chrX-108668490-C-T. GRCh37 (hg19) VCF-style: chrX-107911720-C-T.
Other names: c.3776C>T, p.Pro1259Leu (NM_000495.5); short protein forms P1259L.
Identifiers: ClinVar variation 4802190 (VCV004802190.1).